The following is an entry in ClinVar:

NM_001348768.2(HECW2):c.1609G>C (p.Ala537Pro)

Gene: HECW2 (HECT, C2 and WW domain containing E3 ubiquitin protein ligase 2; minus strand). Cytogenetic location: 2q32.3.
Variant type: single nucleotide variant.
Coding change: c.1609G>C on transcript NM_001348768.2 (MANE Select); coding-DNA position 1609, G replaced by C.
Protein change: p.Ala537Pro; replaces alanine 537 with proline.
Molecular consequence: missense variant.
Genome position (GRCh38, 1-based): chr2:196,319,281, C>G on the plus strand (G>C on the coding strand, the complement: HECW2 is on the minus strand). VCF-style: chr2-196319281-C-G. GRCh37 (hg19) VCF-style: chr2-197184005-C-G.
Other names: c.541G>C, p.Ala181Pro (NM_001304840.3); c.1609G>C, p.Ala537Pro (NM_020760.4); short protein forms A181P, A537P.
Identifiers: ClinVar variation 4881922 (VCV004881922.2).

ClinVar aggregate classification (germline): Uncertain significance (1 of 4 stars; one submission).

Conditions:
Neurodevelopmental disorder with hypotonia, seizures, and absent language (NDHSAL). Identifiers: MedGen C4310643, MONDO:0014995, OMIM 617268.

gnomAD v4.1: 4 of 1,609,802 alleles (0.00025%); highest among the groups gnomAD compares: Non-Finnish European, 0.00034%; no homozygotes.

Submission:

Dasa
Classification: Uncertain significance for Neurodevelopmental disorder with hypotonia, seizures, and absent language. Last evaluated: 2026-01-21. Review status: criteria provided, single submitter. Criteria: DASA Assertion Criteria. Collection method: clinical testing. Allele origin: germline.
Comment: NM_001348768.2(HECW2):c.1609G>C (p.Ala537Pro) is a missense variant that results in the substitution of alanine with proline. This variant is absent from population databases. Computational prediction algorithms are consistent with a benign effect. The currently available literature and clinical evidence are not sufficient to establish a definitive association between this variant and the reported condition. Therefore, this variant is classified as a variant of uncertain significance.